The following is an entry in ClinVar:

ClinVar aggregate classification (germline): Uncertain significance (1 of 4 stars; one submission).

Conditions:
Retinitis pigmentosa 12 (RP12). Also called: RP WITH OR WITHOUT PPRPE; RP WITH OR WITHOUT PRESERVED PARAARTERIOLE RETINAL PIGMENT EPITHELIUM; RETINITIS PIGMENTOSA WITH OR WITHOUT PARAARTERIOLAR PRESERVATION OF RETINAL PIGMENT EPITHELIUM. Identifiers: Orphanet 791, MedGen C1838647, MONDO:0010818, OMIM 600105.
Leber congenital amaurosis 8 (LCA8). Identifiers: Orphanet 65, MedGen C3151202, MONDO:0013453, OMIM 613835.

Allele frequency attached by ClinVar (database versions not stated): gnomAD exomes 0.00001; ExAC 0.00002; 1000 Genomes Project 30x 0.00016; 1000 Genomes Project 0.00020.
gnomAD v4.1: 11 of 1,614,174 alleles (0.00068%); highest among the groups gnomAD compares: South Asian, 0.0033%; no homozygotes.

Submission:

Labcorp Genetics (formerly Invitae), Labcorp
Classification: Uncertain significance for Leber congenital amaurosis 8; Retinitis pigmentosa 12. Last evaluated: 2022-06-02. Review status: criteria provided, single submitter. Criteria: Invitae Variant Classification Sherloc (09022015). Collection method: clinical testing. Allele origin: germline.
Comment: This sequence change affects codon 1335 of the CRB1 mRNA. It is a 'silent' change, meaning that it does not change the encoded amino acid sequence of the CRB1 protein. It affects a nucleotide within the consensus splice site. This variant is present in population databases (rs563910772, gnomAD 0.003%). This variant has not been reported in the literature in individuals affected with CRB1-related conditions. Algorithms developed to predict the effect of sequence changes on RNA splicing suggest that this variant is not likely to affect RNA splicing. In summary, the available evidence is currently insufficient to determine the role of this variant in disease. Therefore, it has been classified as a Variant of Uncertain Significance.

NM_201253.3(CRB1):c.4005C>T (p.Asp1335=)

Gene: CRB1 (crumbs cell polarity complex component 1; plus strand). Cytogenetic location: 1q31.3.
Variant type: single nucleotide variant.
Coding change: c.4005C>T on transcript NM_201253.3 (MANE Select); coding-DNA position 4005, C replaced by T.
Protein change: p.Asp1335=; no amino-acid change (aspartic acid 1335 retained).
Molecular consequence: synonymous variant. On other transcripts: non-coding transcript variant (2).
Genome position (GRCh38, 1-based): chr1:197,442,292, C>T. VCF-style: chr1-197442292-C-T. GRCh37 (hg19) VCF-style: chr1-197411422-C-T.
Other names: c.3669C>T, p.Asp1223= (NM_001193640.2); c.3933C>T, p.Asp1311= (NM_001257965.2); c.2397C>T, p.Asp799= (NM_001257966.2).
Identifiers: ClinVar variation 2175986 (VCV002175986.1), dbSNP rs563910772, ClinGen allele CA1312464.